The following is an entry in ClinVar:

ClinVar aggregate classification (germline): Pathogenic. Review status: reviewed by expert panel (3 of 4 stars). 19 submissions from 18 submitters: Pathogenic (1). 18 of the submissions do not count toward it. Last evaluated 2025-05-20.

Conditions:
RPGR-related retinopathy. Also called: RPGR retinopathy. Identifiers: MedGen CN305589, MONDO:0100437.
Retinal dystrophy. Also called: Inherited retinal dystrophy. Identifiers: Orphanet 71862, MedGen C0854723, MeSH D058499, MONDO:0019118, HP:0000556.
RPGR-related disorder. Also called: RPGR-related condition.
Retinitis pigmentosa (RP). Identifiers: Orphanet 791, MedGen C0035334, MeSH D012174, MONDO:0019200, OMIM 268000. Inheritance: Autosomal dominant, autosomal recessive and X linked inheritance.
Retinitis pigmentosa 3. Also called: CHOROIDORETINAL DEGENERATION WITH RETINAL REFLEX IN HETEROZYGOUS WOMEN. Identifiers: Orphanet 791, MedGen C1845667, MONDO:0010227, OMIM 300029.
Macular degeneration, X-linked atrophic. Identifiers: Orphanet 1872, MedGen C3151784, MONDO:0010443, OMIM 300834.
Retinitis pigmentosa, X-linked, and sinorespiratory infections, with or without deafness (RPSRDF). Identifiers: Orphanet 247522, MedGen C2749137, OMIM 300455.
X-linked cone-rod dystrophy 1 (CORDX1). Identifiers: Orphanet 1872, MedGen C1844776, MONDO:0010566, OMIM 304020.
Primary ciliary dyskinesia. Also called: Ciliary dyskinesia. Identifiers: Orphanet 244, MedGen C0008780, MONDO:0016575, HP:0012265.

Submissions 1 to 12 of 19:

ClinGen X-linked Inherited Retinal Disease Variant Curation Expert Panel, ClinGen
Classification: Pathogenic for RPGR-related retinopathy. Last evaluated: 2025-05-20. Review status: reviewed by expert panel. Criteria: ClinGen X LinkedIRD ACMG Specifications RPGR V1.0.0. Collection method: curation. Allele origin: germline. Inheritance: X-linked inheritance.
Comment: NM_001034853.2(RPGR):c.2236_2237del (p.Glu746ArgfsTer23) is a frameshift variant that introduces a premature stop codon into exon 15 of 15 before amino acid 1132, which is predicted not to trigger nonsense-mediated decay but rather to disrupt a critical C-terminal region required for proper glutamylation of RPGR (PVS1, PMID: 36445968). This variant is absent from hemizygous individuals in gnomAD v4.1.0 (PM2_supporting). At least one proband harboring this variant exhibits a phenotype including family history consistent with X-linked inheritance (2 pts), with delayed or milder phenotype in females (1 pt), and rod involvement greater than cone (1 pt), which together are specific for RPGR-related retinopathy (4 points, PP4). This variant has been reported in at least 33 apparently unrelated probands meeting the PS4 requirement of some functional vision impairment in affected males by age 30 years, or decreased / absent cone and/or rod electroretinogram responses (PMIDs: 20021257, 11950860, 16086276, 17093403, 34745198, 33247286, 33576794, 33090715, 23681342, 31213501, 22807293, 32531858, PS4). The variant has been reported to segregate with retinal dystrophy through at least 4 affected meioses from at least 2 families (PP1_strong; PMID: 21857984, 20021257, 11950860, 16086276, 17093403, 34745198). In summary, this variant is classified as pathogenic for RPGR-related retinopathy based on the ClinGen X-linked Inherited Retinal Disease Expert Panel Specifications to the ACMG/AMP Variant Interpretation Guidelines for RPGR Version 1.0.0; PVS1, PS4, PM2_supporting, PP1_strong, and PP4. (date of approval 05/16/2025).

Labcorp Genetics (formerly Invitae), Labcorp
Classification: Pathogenic for Primary ciliary dyskinesia. Last evaluated: 2025-12-11. Review status: criteria provided, single submitter. Criteria: Invitae Variant Classification Sherloc (09022015). Collection method: clinical testing. Allele origin: germline. Not counted in ClinVar's aggregate classification.
Comment: This sequence change creates a premature translational stop signal (p.Glu746Argfs*23) in the RPGR (ORF15) gene. While this is not anticipated to result in nonsense mediated decay, it is expected to disrupt the last 407 amino acid(s) of the RPGR (ORF15) protein. This variant is not present in population databases (gnomAD no frequency). This premature translational stop signal has been observed in individual(s) with retinitis pigmentosa (PMID: 10932196, 20021257). This variant is also known as g.ORF15+483_484delGA. ClinVar contains an entry for this variant (Variation ID: 438142). This variant disrupts a region of the RPGR (ORF15) protein in which other variant(s) (p.Leu1130Lysfs*13) have been determined to be pathogenic (PMID: 22264887; internal data). This suggests that this is a clinically significant region of the protein, and that variants that disrupt it are likely to be disease-causing. For these reasons, this variant has been classified as Pathogenic.

3billion
Classification: Pathogenic for Retinitis pigmentosa 3. Last evaluated: 2024-10-24. Review status: criteria provided, single submitter. Criteria: ACMG Guidelines, 2015. Collection method: clinical testing. Allele origin: germline. Affected: yes. Not counted in ClinVar's aggregate classification.
Comment: The variant is observed at an extremely low frequency in the gnomAD v4.1.0 dataset (total allele frequency: <0.001%). Predicted Consequence/Location: Frameshift: predicted to result in a loss or disruption of normal protein function through protein truncation. Multiple pathogenic variants are reported in the predicted truncated region. The variant has been reported at least twice as pathogenic with clinical assertions and evidence for the classification (ClinVar ID: VCV000438142 /3billion dataset). Therefore, this variant is classified as Pathogenic according to the recommendation of ACMG/AMP guideline.

Dept Of Ophthalmology, Nagoya University
Classification: Likely pathogenic for Retinal dystrophy. Last evaluated: 2023-10-01. Review status: criteria provided, single submitter. Criteria: Submitter's publication. Collection method: research. Allele origin: germline. Affected: yes. Not counted in ClinVar's aggregate classification.

Institute of Human Genetics, Univ. Regensburg, Univ. Regensburg
Classification: Pathogenic for Retinal dystrophy. Last evaluated: 2023-01-01. Review status: criteria provided, single submitter. Criteria: ACMG Guidelines, 2015. Collection method: clinical testing. Allele origin: germline. Affected: yes. Not counted in ClinVar's aggregate classification.

GeneDx
Classification: Pathogenic. Last evaluated: 2022-11-25. Review status: criteria provided, single submitter. Criteria: GeneDx Variant Classification Process June 2021. Collection method: clinical testing. Allele origin: germline. Affected: yes. Not counted in ClinVar's aggregate classification.
Comment: Frameshift variant in the C-terminus predicted to result in protein truncation, as the last 407 amino acids are lost and replaced with 22 incorrect amino acids (HGMD); Not observed in large population cohorts (gnomAD); This variant is associated with the following publications: (PMID: 28512305, 29190250, 27798110, 28041643, 16086276, 10932196, 29099798, 20021257, 28863407, 23150612, 32141364, 33090715, 31953110, 31106028, 33576794, 33781268, 35432464, 34985506)

CeGaT Center for Human Genetics Tuebingen
Classification: Pathogenic. Last evaluated: 2022-10-01. Review status: criteria provided, single submitter. Criteria: CeGaT Center For Human Genetics Tuebingen Variant Classification Criteria Version 2. Collection method: clinical testing. Allele origin: germline. Affected: yes. Observed: 5 variant alleles. Not counted in ClinVar's aggregate classification.
Comment: RPGR: PVS1:Strong, PM2, PS4:Moderate, PP1, PP4

Fulgent Genetics
Classification: Pathogenic for Retinitis pigmentosa 3; Retinitis pigmentosa, X-linked, and sinorespiratory infections, with or without deafness; Macular degeneration, X-linked atrophic; X-linked cone-rod dystrophy 1. Last evaluated: 2022-03-21. Review status: criteria provided, single submitter. Criteria: ACMG Guidelines, 2015. Collection method: clinical testing. Allele origin: unknown. Not counted in ClinVar's aggregate classification.

Broad Center for Mendelian Genomics, Broad Institute of MIT and Harvard
Classification: Likely pathogenic for Retinitis pigmentosa. Last evaluated: 2021-04-01. Review status: criteria provided, single submitter. Criteria: ACMG Guidelines, 2015. Collection method: curation. Allele origin: germline. Inheritance: X-linked inheritance. Affected: yes. Not counted in ClinVar's aggregate classification.
Comment: Through a review of available evidence we were able to apply the following criteria: PVS1, PM2. Based on this evidence we have classified this variant as Likely Pathogenic. If you have any questions about the classification please reach out to the Pierce Lab.

Institute of Medical Molecular Genetics, University of Zurich
Classification: Pathogenic for Retinitis pigmentosa 3. Last evaluated: 2020-12-21. Review status: criteria provided, single submitter. Criteria: Maggi J et al. (Genes (Basel) 2020). Collection method: research. Allele origin: unknown. Affected: yes. Not counted in ClinVar's aggregate classification.

Institute of Medical Genetics and Applied Genomics, University Hospital Tübingen
Classification: Pathogenic. Last evaluated: 2020-10-23. Review status: criteria provided, single submitter. Criteria: ACMG Guidelines, 2015. Collection method: clinical testing. Allele origin: germline. Inheritance: Unknown mechanism. Affected: yes. Not counted in ClinVar's aggregate classification.

Molecular Genetics Laboratory, Institute for Ophthalmic Research
Classification: Pathogenic for Retinitis pigmentosa. Last evaluated: 2020-01-09. Review status: criteria provided, single submitter. Criteria: ACMG Guidelines, 2015. Collection method: research. Allele origin: germline. Affected: yes. Not counted in ClinVar's aggregate classification.

NM_001034853.2(RPGR):c.2236_2237del (p.Glu746fs)

Gene: RPGR (retinitis pigmentosa GTPase regulator; minus strand). Cytogenetic location: Xp11.4.
Variant type: Microsatellite.
Coding change: c.2236_2237del on transcript NM_001034853.2 (MANE Select); coding-DNA positions 2236 to 2237, 2 bases deleted (GA; older notation c.2236_2237delGA).
Protein change: p.Glu746fs; shifts the reading frame from glutamic acid 746.
Molecular consequence: frameshift variant. On other transcripts: intron variant (8).
Genome position (GRCh38, 1-based): chrX:38,286,762-38,286,763, TC deleted on the plus strand (GA on the coding strand, the reverse complement: RPGR is on the minus strand); deleting any 2 consecutive bases within chrX:38,286,762-38,286,766 gives the same sequence; the c. name uses the placement nearest the transcript's 3' end. VCF-style (leftmost placement, unchanged base first): chrX-38286761-TTC-T. GRCh37 (hg19) VCF-style: chrX-38146014-TTC-T.
Other names: NM_001034853.2(RPGR):c.2236_2237del; p.Glu746fs; c.1569+4196_1569+4197del (NM_001367249.1, NM_001367250.1); c.1902+331_1902+332del (NM_001367245.1); c.1386+4196_1386+4197del (NM_001367251.1); c.1719+331_1719+332del (NM_001367246.1); c.1572+4196_1572+4197del (NM_001367247.1); c.1905+331_1905+332del (NM_000328.3); and 3 more; short protein forms E746fs.
Identifiers: ClinVar variation 438142 (VCV000438142.71), dbSNP rs1555961852, ClinGen allele CA645509417.
Genomic context (GRCh38, chrX:38,286,761, plus strand): 5'-TCCCTCCACTTCTTCCCCTTCTCCTTCCTCTTTCCCTTCTCCCTCCTTCTCTTCTTCCTC[TTC>T]TCTGTCTCCCTCCTCTTCTTCTCCTTCTCCATGCTCCTCCTCCCCTCCCTCCTCCATCTC-3'